The following is an entry in ClinVar:

NM_001374828.1(ARID1B):c.1245AGGAGC[1] (p.416GA[2])

Gene: ARID1B (AT-rich interaction domain 1B; plus strand). Cytogenetic location: 6q25.3.
Variant type: Microsatellite.
Coding change: c.1245AGGAGC[1] on transcript NM_001374828.1 (MANE Select); one copy of the 6-base unit AGGAGC starting at c.1245; the reference has two copies in a row; one copy, 6 bases deleted.
Protein change: p.416GA[2].
Molecular consequence: inframe deletion. On other transcripts: inframe indel (1).
Genome position (GRCh38, 1-based): chr6:156,778,931-156,778,936, AGGAGC deleted; deleting any 6 consecutive bases within chr6:156,778,925-156,778,936 gives the same sequence; the position shown is the placement nearest the transcript's 3' end. VCF-style (leftmost placement, unchanged base first): chr6-156778924-GAGGAGC-G. GRCh37 (hg19) VCF-style: chr6-157100058-GAGGAGC-G.
Other names: c.1245AGGAGC[1], p.416GA[2] (NM_001371656.1, NM_001374820.1, NM_017519.3); c.1002_1007del6 (NM_020732.3).
Identifiers: ClinVar variation 3036623 (VCV003036623.2), dbSNP rs1323804393, ClinGen allele CA2578779917.

ClinVar aggregate classification (germline): Uncertain significance (0 of 4 stars; one submission).

Conditions:
ARID1B-Related Disorder. Identifiers: MedGen CN381337.

Submission:

PreventionGenetics, part of Exact Sciences
Classification: Uncertain significance for ARID1B-related condition. Last evaluated: 2023-11-22. Review status: no assertion criteria provided. Collection method: clinical testing. Allele origin: germline.
Comment: The ARID1B c.1002_1007del6 variant is predicted to result in an in-frame deletion (p.Gly337_Ala338del). To our knowledge, this variant has not been reported in the literature or in a large population database, indicating this variant is rare. At this time, the clinical significance of this variant is uncertain due to the absence of conclusive functional and genetic evidence.